The following is an entry in ClinVar:

ClinVar aggregate classification (germline): Uncertain significance (1 of 4 stars; one submission).

Submission:

Labcorp Genetics (formerly Invitae), Labcorp
Classification: Uncertain significance. Last evaluated: 2019-11-15. Review status: criteria provided, single submitter. Criteria: Invitae Variant Classification Sherloc (09022015). Collection method: clinical testing. Allele origin: germline.
Comment: In summary, the available evidence is currently insufficient to determine the role of this variant in disease. Therefore, it has been classified as a Variant of Uncertain Significance. Algorithms developed to predict the effect of sequence changes on RNA splicing suggest that this variant may create or strengthen a splice site, but this prediction has not been confirmed by published transcriptional studies. Algorithms developed to predict the effect of missense changes on protein structure and function output the following: SIFT: "Tolerated"; PolyPhen-2: "Benign"; Align-GVGD: "Class C0". The alanine amino acid residue is found in multiple mammalian species, suggesting that this missense change does not adversely affect protein function. These predictions have not been confirmed by published functional studies and their clinical significance is uncertain. This variant has not been reported in the literature in individuals with ARHGEF18-related conditions. This variant is not present in population databases (ExAC no frequency). This sequence change replaces proline with alanine at codon 1116 of the ARHGEF18 protein (p.Pro1116Ala). The proline residue is moderately conserved and there is a small physicochemical difference between proline and alanine.

NM_001367823.1(ARHGEF18):c.3910C>G (p.Pro1304Ala)

Gene: ARHGEF18 (Rho/Rac guanine nucleotide exchange factor 18; plus strand). Cytogenetic location: 19p13.2.
Variant type: single nucleotide variant.
Coding change: c.3910C>G on transcript NM_001367823.1 (MANE Select); coding-DNA position 3910, C replaced by G.
Protein change: p.Pro1304Ala; replaces proline 1304 with alanine.
Molecular consequence: missense variant.
Genome position (GRCh38, 1-based): chr19:7,470,026, C>G. VCF-style: chr19-7470026-C-G. GRCh37 (hg19) VCF-style: chr19-7534912-C-G.
Other names: c.3184C>G, p.Pro1062Ala (NM_001130955.2); c.2872C>G, p.Pro958Ala (NM_001367824.1, NM_015318.4); short protein forms P1304A, P1062A, P958A.
Identifiers: ClinVar variation 967263 (VCV000967263.9), dbSNP rs1976924808, ClinGen allele CA403096989.